The following is an entry in ClinVar:

ClinVar aggregate classification (germline): Uncertain significance (1 of 4 stars; one submission).

Submission:

Labcorp Genetics (formerly Invitae), Labcorp
Classification: Uncertain significance. Last evaluated: 2025-06-05. Review status: criteria provided, single submitter. Criteria: Invitae Variant Classification Sherloc (09022015). Collection method: clinical testing. Allele origin: germline.
Comment: This sequence change replaces alanine, which is neutral and non-polar, with valine, which is neutral and non-polar, at codon 269 of the HNF4A protein (p.Ala269Val). This variant is not present in population databases (gnomAD no frequency). This variant has not been reported in the literature in individuals affected with HNF4A-related conditions. Invitae Evidence Modeling of protein sequence and biophysical properties (such as structural, functional, and spatial information, amino acid conservation, physicochemical variation, residue mobility, and thermodynamic stability) has been performed for this missense variant. However, the output from this modeling did not meet the statistical confidence thresholds required to predict the impact of this variant on HNF4A protein function. In summary, the available evidence is currently insufficient to determine the role of this variant in disease. Therefore, it has been classified as a Variant of Uncertain Significance.

NM_175914.5(HNF4A):c.806C>T (p.Ala269Val)

Gene: HNF4A (hepatocyte nuclear factor 4 alpha; plus strand). Cytogenetic location: 20q13.12.
Variant type: single nucleotide variant.
Coding change: c.806C>T on transcript NM_175914.5 (MANE Select); coding-DNA position 806, C replaced by T.
Protein change: p.Ala269Val; replaces alanine 269 with valine.
Molecular consequence: missense variant.
Genome position (GRCh38, 1-based): chr20:44,419,856, C>T. VCF-style: chr20-44419856-C-T. GRCh37 (hg19) VCF-style: chr20-43048496-C-T.
Other names: c.872C>T, p.Ala291Val (NM_000457.6, NM_178849.3, NM_178850.3); c.806C>T, p.Ala269Val (NM_001030003.3, NM_001030004.3); c.851C>T, p.Ala284Val (NM_001258355.2); c.797C>T, p.Ala266Val (NM_001287182.2, NM_001287183.2, NM_001287184.2); short protein forms A266V, A269V, A284V, A291V.
Identifiers: ClinVar variation 4721666 (VCV004721666.1).